The following is an entry in ClinVar:

ClinVar aggregate classification (germline): Uncertain significance (1 of 4 stars; one submission).

Conditions:
Peroxisome biogenesis disorder 2B (PBD2B). Identifiers: Orphanet 44, MedGen C3550234, MONDO:0008736, OMIM 202370.

Allele frequency attached by ClinVar (database versions not stated): gnomAD exomes below 0.00001.
gnomAD v4.1: 2 of 1,613,954 alleles (0.00012%); highest among the groups gnomAD compares: Non-Finnish European, 0.00017%; no homozygotes.

Submission:

Labcorp Genetics (formerly Invitae), Labcorp
Classification: Uncertain significance for Peroxisome biogenesis disorder 2B. Last evaluated: 2023-08-04. Review status: criteria provided, single submitter. Criteria: Invitae Variant Classification Sherloc (09022015). Collection method: clinical testing. Allele origin: germline.
Comment: In summary, the available evidence is currently insufficient to determine the role of this variant in disease. Therefore, it has been classified as a Variant of Uncertain Significance. Advanced modeling of protein sequence and biophysical properties (such as structural, functional, and spatial information, amino acid conservation, physicochemical variation, residue mobility, and thermodynamic stability) performed at Invitae indicates that this missense variant is not expected to disrupt PEX5 protein function. ClinVar contains an entry for this variant (Variation ID: 2053243). This variant has not been reported in the literature in individuals affected with PEX5-related conditions. This variant is not present in population databases (gnomAD no frequency). This sequence change replaces phenylalanine, which is neutral and non-polar, with leucine, which is neutral and non-polar, at codon 274 of the PEX5 protein (p.Phe274Leu).

NM_001351132.2(PEX5):c.822T>A (p.Phe274Leu)

Gene: PEX5 (peroxisomal biogenesis factor 5; plus strand). Cytogenetic location: 12p13.31.
Variant type: single nucleotide variant.
Coding change: c.822T>A on transcript NM_001351132.2 (MANE Select); coding-DNA position 822, T replaced by A.
Protein change: p.Phe274Leu; replaces phenylalanine 274 with leucine.
Molecular consequence: missense variant.
Genome position (GRCh38, 1-based): chr12:7,202,680, T>A. VCF-style: chr12-7202680-T-A. GRCh37 (hg19) VCF-style: chr12-7355276-T-A.
Other names: c.822T>A, p.Phe274Leu (NM_000319.5, NM_001131025.2, NM_001131026.2 and 6 more transcripts); c.867T>A, p.Phe289Leu (NM_001131023.2); c.711T>A, p.Phe237Leu (NM_001131024.2, NM_001351124.3, NM_001351126.2 and 10 more transcripts); c.756T>A, p.Phe252Leu (NM_001351135.3, NM_001351138.2); short protein forms F237L, F289L, F252L, F274L.
Identifiers: ClinVar variation 2053243 (VCV002053243.4), dbSNP rs2540159013, ClinGen allele CA383724592.